The following is an entry in ClinVar:

NM_001378615.1(CC2D2A):c.4809_4810dup (p.Lys1604fs)

Genes: CC2D2A (coiled-coil and C2 domain containing 2A; plus strand), FBXL5 (F-box and leucine rich repeat protein 5; minus strand). Cytogenetic location: 4p15.32.
Variant type: Duplication.
Coding change: c.4809_4810dup on transcript NM_001378615.1 (MANE Select); coding-DNA positions 4809 to 4810, 2 bases duplicated (CA; older notation c.4809_4810dupCA).
Protein change: p.Lys1604fs; shifts the reading frame from lysine 1604.
Molecular consequence: frameshift variant.
Genome position (GRCh38, 1-based): chr4:15,601,371-15,601,372, CA duplicated. VCF-style (leftmost placement, unchanged base first): chr4-15601370-C-CCA. GRCh37 (hg19) VCF-style: chr4-15602993-C-CCA.
Other names: c.4809_4810dupCA (NM_001080522.2); c.4809_4810dup, p.Lys1604fs (NM_001080522.2); c.4662_4663dup, p.Lys1555fs (NM_001378617.1); short protein forms K1555fs, K1604fs.
Identifiers: ClinVar variation 4994408 (VCV004994408.1).

ClinVar aggregate classification (germline): Likely pathogenic (1 of 4 stars; one submission).

Conditions:
CC2D2A-related disorder. Also called: CC2D2A-related condition; CC2D2A-related disorders. Identifiers: MedGen CN239313.

Submission:

PreventionGenetics, part of Exact Sciences
Classification: Likely pathogenic for CC2D2A-related condition. Last evaluated: 2026-02-11. Review status: criteria provided, single submitter. Criteria: ACMG Guidelines, 2015. Collection method: clinical testing. Allele origin: germline.
Comment: The CC2D2A c.4809_4810dupCA variant is predicted to result in a frameshift and premature protein termination (p.Lys1604Thrfs*29). To our knowledge, this variant has not been reported in the literature or in a large population database (gnomAD), indicating this variant is rare. This variant is located within the last exon of CC2DA (NM_001080522.2) and is not expected to result in nonsense-mediated decay, however nearby truncating variants have been reported in individuals with CC2D2A-related disorders (Bachmann-Gagescu et al. 2015. PubMed ID: 26092869). Taken together, this variant is interpreted as likely pathogenic.